The following is an entry in ClinVar:

ClinVar aggregate classification (germline): Uncertain significance. Review status: criteria provided, multiple submitters, no conflicts (2 of 4 stars). 2 submissions from 2 submitters: Uncertain significance (2). Last evaluated 2023-03-18.

Conditions:
Neurofibromatosis, type 1 (NF1). Also called: Peripheral type neurofibromatosis; Neurofibromatosis, type I; VON RECKLINGHAUSEN DISEASE; NEUROFIBROMATOSIS, TYPE I, SOMATIC. Identifiers: Orphanet 636, MedGen C0027831, MONDO:0018975, OMIM 162200. Disease mechanism: loss of function.

Submissions (2):

Labcorp Genetics (formerly Invitae), Labcorp
Classification: Uncertain significance for Neurofibromatosis, type 1. Last evaluated: 2023-03-18. Review status: criteria provided, single submitter. Criteria: Invitae Variant Classification Sherloc (09022015). Collection method: clinical testing. Allele origin: germline.
Comment: This sequence change replaces lysine, which is basic and polar, with glutamic acid, which is acidic and polar, at codon 478 of the NF1 protein (p.Lys478Glu). In summary, the available evidence is currently insufficient to determine the role of this variant in disease. Therefore, it has been classified as a Variant of Uncertain Significance. Advanced modeling of protein sequence and biophysical properties (such as structural, functional, and spatial information, amino acid conservation, physicochemical variation, residue mobility, and thermodynamic stability) performed at Invitae indicates that this missense variant is expected to disrupt NF1 protein function. ClinVar contains an entry for this variant (Variation ID: 2429643). This variant has not been reported in the literature in individuals affected with NF1-related conditions. This variant is not present in population databases (gnomAD no frequency).

GeneDx
Classification: Uncertain significance. Last evaluated: 2022-08-09. Review status: criteria provided, single submitter. Criteria: GeneDx Variant Classification Process June 2021. Collection method: clinical testing. Allele origin: germline. Affected: yes.
Comment: Not observed at significant frequency in large population cohorts (gnomAD); In silico analysis supports that this missense variant does not alter protein structure/function; Has not been previously published as pathogenic or benign to our knowledge

NM_001042492.3(NF1):c.1432A>G (p.Lys478Glu)

Gene: NF1 (neurofibromin 1; plus strand). Cytogenetic location: 17q11.2.
Variant type: single nucleotide variant.
Coding change: c.1432A>G on transcript NM_001042492.3 (MANE Select); coding-DNA position 1432, A replaced by G.
Protein change: p.Lys478Glu; replaces lysine 478 with glutamic acid.
Molecular consequence: missense variant.
Genome position (GRCh38, 1-based): chr17:31,214,490, A>G. VCF-style: chr17-31214490-A-G. GRCh37 (hg19) VCF-style: chr17-29541508-A-G.
Other names: c.1432A>G, p.Lys478Glu (NM_000267.4, NM_001128147.3); short protein forms K478E.
Identifiers: ClinVar variation 2429643 (VCV002429643.4), dbSNP rs2143959133, ClinGen allele CA399001498.